The following is an entry in ClinVar:

NM_004004.6(GJB2):c.274G>A (p.Ala92Thr)

Gene: GJB2 (gap junction protein beta 2; minus strand). Cytogenetic location: 13q12.11.
Variant type: single nucleotide variant.
Coding change: c.274G>A on transcript NM_004004.6 (MANE Select); coding-DNA position 274, G replaced by A.
Protein change: p.Ala92Thr; replaces alanine 92 with threonine.
Molecular consequence: missense variant.
Genome position (GRCh38, 1-based): chr13:20,189,308, C>T on the plus strand (G>A on the coding strand, the complement: GJB2 is on the minus strand). VCF-style: chr13-20189308-C-T. GRCh37 (hg19) VCF-style: chr13-20763447-C-T.
Other names: short protein forms A92T.
Identifiers: ClinVar variation 4802247 (VCV004802247.1).
Genomic context (GRCh38, chr13:20,189,308, plus strand): 5'-TTATCTCCCCCTTGATGAACTTCCTCTTCTTCTCATGTCTCCGGTAGGCCACGTGCATGG[C>T]CACTAGGAGCGCTGGCGTGGACACGAAGATCAGCTGCAGGGCCCATAGCCGGATGTGGGA-3'
Protein context (NP_003995.2, residues 82-102): IFVSTPALLV[Ala92Thr]MHVAYRRHEK

ClinVar aggregate classification (germline): Uncertain significance (1 of 4 stars; one submission).

Submission:

Labcorp Genetics (formerly Invitae), Labcorp
Classification: Uncertain significance. Last evaluated: 2025-03-07. Review status: criteria provided, single submitter. Criteria: Invitae Variant Classification Sherloc (09022015). Collection method: clinical testing. Allele origin: germline.
Comment: This sequence change replaces alanine, which is neutral and non-polar, with threonine, which is neutral and polar, at codon 92 of the GJB2 protein (p.Ala92Thr). This variant is not present in population databases (gnomAD no frequency). This variant has not been reported in the literature in individuals affected with GJB2-related conditions. Invitae Evidence Modeling of protein sequence and biophysical properties (such as structural, functional, and spatial information, amino acid conservation, physicochemical variation, residue mobility, and thermodynamic stability) indicates that this missense variant is expected to disrupt GJB2 protein function with a positive predictive value of 95%. In summary, the available evidence is currently insufficient to determine the role of this variant in disease. Therefore, it has been classified as a Variant of Uncertain Significance.